The following is an entry in ClinVar:

ClinVar aggregate classification (germline): Likely benign. Review status: criteria provided, multiple submitters, no conflicts (2 of 4 stars). 3 submissions from 3 submitters: Likely benign (3). Last evaluated 2024-09-04.

Conditions:
Hereditary cancer-predisposing syndrome. Also called: Hereditary Cancer Syndrome; Neoplastic Syndromes, Hereditary; Tumor predisposition; Hereditary neoplastic syndrome. Identifiers: Orphanet 140162, MedGen C0027672, MeSH D009386, MONDO:0015356.
Familial cancer of breast. Also called: BREAST CANCER, FAMILIAL; hereditary breast carcinoma; Hereditary breast cancer. Identifiers: Orphanet 227535, MedGen C0346153, MONDO:0016419, OMIM 114480. Disease mechanism: loss of function.
Fanconi anemia complementation group J. Also called: BRIP1-Related Fanconi Anemia. Identifiers: Orphanet 84, MedGen C1836860, MONDO:0012187, OMIM 609054.

Allele frequency attached by ClinVar (database versions not stated): gnomAD exomes below 0.00001.
gnomAD v4.1: 3 of 1,613,690 alleles (0.00019%); highest among the groups gnomAD compares: Non-Finnish European, 0.00025%; no homozygotes.

Submissions (3):

Myriad Genetics, Inc.
Classification: Likely benign for Familial cancer of breast. Last evaluated: 2024-09-04. Review status: criteria provided, single submitter. Criteria: Myriad Autosomal Dominant, Autosomal Recessive and X-Linked Classification Criteria (2023). Collection method: clinical testing. Allele origin: unknown.
Comment: This variant is considered likely benign. This variant is intronic and is not expected to impact mRNA splicing.

Labcorp Genetics (formerly Invitae), Labcorp
Classification: Likely benign for Familial cancer of breast; Fanconi anemia complementation group J. Last evaluated: 2024-08-19. Review status: criteria provided, single submitter. Criteria: Invitae Variant Classification Sherloc (09022015). Collection method: clinical testing. Allele origin: germline.

Color Diagnostics, LLC DBA Color Health
Classification: Likely benign for Hereditary cancer-predisposing syndrome. Last evaluated: 2017-12-06. Review status: criteria provided, single submitter. Criteria: ACMG Guidelines, 2015. Collection method: clinical testing. Allele origin: germline.

NM_032043.3(BRIP1):c.2258-13T>C

Gene: BRIP1 (BRCA1 interacting DNA helicase 1; minus strand). Cytogenetic location: 17q23.2.
Variant type: single nucleotide variant.
Coding change: c.2258-13T>C on transcript NM_032043.3 (MANE Select); 13 bases into the intron before coding-DNA position 2258, T replaced by C.
Molecular consequence: intron variant.
Genome position (GRCh38, 1-based): chr17:61,743,147, A>G on the plus strand (T>C on the coding strand, the complement: BRIP1 is on the minus strand). VCF-style: chr17-61743147-A-G. GRCh37 (hg19) VCF-style: chr17-59820508-A-G.
Identifiers: ClinVar variation 630963 (VCV000630963.12), dbSNP rs1567779896, ClinGen allele CA913188874.